The following is an entry in ClinVar:

ClinVar aggregate classification (germline): Uncertain significance (1 of 4 stars; one submission).

gnomAD v4.1: 2 of 1,614,178 alleles (0.00012%); highest among the groups gnomAD compares: Non-Finnish European, 0.00017%; no homozygotes.

Submission:

ARUP Laboratories, Molecular Genetics and Genomics, ARUP Laboratories
Classification: Uncertain significance. Last evaluated: 2023-09-11. Review status: criteria provided, single submitter. Criteria: ARUP Molecular Germline Variant Investigation Process 2024. Collection method: clinical testing. Allele origin: germline.
Comment: The FBN1 c.695G>C; p.Arg232Pro variant, to our knowledge, is not reported in the medical literature or gene specific databases. This variant is absent from the Genome Aggregation Database, indicating it is not a common polymorphism. Computational analyses predict that this variant is deleterious (REVEL: 0.758). Due to limited information, the clinical significance of this variant is uncertain at this time.

NM_000138.5(FBN1):c.695G>C (p.Arg232Pro)

Gene: FBN1 (fibrillin 1; minus strand). Cytogenetic location: 15q21.1.
Variant type: single nucleotide variant.
Coding change: c.695G>C on transcript NM_000138.5 (MANE Select); coding-DNA position 695, G replaced by C.
Protein change: p.Arg232Pro; replaces arginine 232 with proline.
Molecular consequence: missense variant.
Genome position (GRCh38, 1-based): chr15:48,537,652, C>G on the plus strand (G>C on the coding strand, the complement: FBN1 is on the minus strand). VCF-style: chr15-48537652-C-G. GRCh37 (hg19) VCF-style: chr15-48829849-C-G.
Other names: c.695G>C, p.Arg232Pro (NM_001406716.1, NM_001406717.1); short protein forms R232P.
Identifiers: ClinVar variation 2921049 (VCV002921049.1), dbSNP rs773685409, ClinGen allele CA392445862.